The following is an entry in ClinVar:

ClinVar aggregate classification (germline): Benign (1 of 4 stars; one submission).

Conditions:
DICER1-related tumor predisposition. Also called: DICER1 syndrome; DICER1-related pleuropulmonary blastoma cancer predisposition syndrome. Identifiers: Orphanet 284343, MedGen C3839822, MONDO:0100216.

Submission:

Myriad Genetics, Inc.
Classification: Benign for DICER1-related tumor predisposition. Last evaluated: 2026-08-18. Review status: criteria provided, single submitter. Criteria: Myriad Autosomal Dominant, Autosomal Recessive and X-Linked Classification Criteria (2023). Collection method: clinical testing. Allele origin: unknown.
Comment: This variant is considered benign. This variant is a silent/synonymous amino acid change and it is not expected to impact splicing.

NM_177438.3(DICER1):c.3771G>T (p.Val1257=)

Gene: DICER1 (dicer 1, ribonuclease III; minus strand). Cytogenetic location: 14q32.13.
Variant type: single nucleotide variant.
Coding change: c.3771G>T on transcript NM_177438.3 (MANE Select); coding-DNA position 3771, G replaced by T.
Protein change: p.Val1257=; no amino-acid change (valine 1257 retained).
Molecular consequence: synonymous variant. On other transcripts: non-coding transcript variant (6).
Genome position (GRCh38, 1-based): chr14:95,103,625, C>A on the plus strand (G>T on the coding strand, the complement: DICER1 is on the minus strand). VCF-style: chr14-95103625-C-A. GRCh37 (hg19) VCF-style: chr14-95569962-C-A.
Other names: c.3771G>T, p.Val1257= (NM_001195573.1, NM_001271282.3, NM_001291628.2 and 12 more transcripts); c.3489G>T, p.Val1163= (NM_001395686.1); c.3366G>T, p.Val1122= (NM_001395687.1, NM_001395688.1, NM_001395689.1 and 2 more transcripts); c.3204G>T, p.Val1068= (NM_001395691.1); c.2088G>T, p.Val696= (NM_001395697.1).
Identifiers: ClinVar variation 5042193 (VCV005042193.1).
Genomic context (GRCh38, chr14:95,103,625, plus strand): 5'-AGAATCCATCCTGCCCTTGAGCACTTGAATAGTGTCTGTCGTACCAGGCATTACGGCCAT[C>A]ACAGGACTTCCATCTGAGGTAGATTTGTTAGCATTTCCATCAAGGTATTTATTACTCAGG-3'
Protein context (NP_803187.1, residues 1247-1267): ANKSTSDGSP[Val1257=]MAVMPGTTDT